The following is an entry in ClinVar:

NM_001201543.2(FAM161A):c.184-7C>A

Gene: FAM161A (FAM161 centrosomal protein A; minus strand). Cytogenetic location: 2p15.
Variant type: single nucleotide variant.
Coding change: c.184-7C>A on transcript NM_001201543.2 (MANE Select); 7 bases into the intron before coding-DNA position 184, C replaced by A.
Molecular consequence: intron variant.
Genome position (GRCh38, 1-based): chr2:61,842,367, G>T on the plus strand (C>A on the coding strand, the complement: FAM161A is on the minus strand). VCF-style: chr2-61842367-G-T. GRCh37 (hg19) VCF-style: chr2-62069502-G-T.
Other names: c.184-7C>A (NM_032180.3).
Identifiers: ClinVar variation 1392014 (VCV001392014.6), dbSNP rs2105087225, ClinGen allele CA2573135013.

ClinVar aggregate classification (germline): Uncertain significance (1 of 4 stars; one submission).

Submission:

Labcorp Genetics (formerly Invitae), Labcorp
Classification: Uncertain significance. Last evaluated: 2022-06-05. Review status: criteria provided, single submitter. Criteria: Invitae Variant Classification Sherloc (09022015). Collection method: clinical testing. Allele origin: germline.
Comment: ClinVar contains an entry for this variant (Variation ID: 1392014). Algorithms developed to predict the effect of sequence changes on RNA splicing suggest that this variant may create or strengthen a splice site. In summary, the available evidence is currently insufficient to determine the role of this variant in disease. Therefore, it has been classified as a Variant of Uncertain Significance. This variant has not been reported in the literature in individuals affected with FAM161A-related conditions. This sequence change falls in intron 1 of the FAM161A gene. It does not directly change the encoded amino acid sequence of the FAM161A protein. This variant is not present in population databases (gnomAD no frequency).